The following is an entry in ClinVar:

ClinVar aggregate classification (germline): Uncertain significance. Review status: criteria provided, multiple submitters, no conflicts (2 of 4 stars). 4 submissions from 4 submitters: Uncertain significance (4). Last evaluated 2024-05-14.

Conditions:
Malignant hyperthermia, susceptibility to, 1 (MHS1). Also called: RYR1-Related Malignant Hyperthermia Susceptibility; Malignant hyperthermia suceptibility 1; Anesthesia related hyperthermia; Malignant hyperpyrexia; Fulminating hyperpyrexia; Pharmacogenic myopathy. Identifiers: Orphanet 423, MedGen C2930980, MONDO:0007783, OMIM 145600.
RYR1-related disorder. Also called: RYR1-related condition; RYR1-related disorders. Identifiers: MedGen CN239331.
Central core myopathy (CMYO1A). Also called: CONGENITAL MYOPATHY 1A, AUTOSOMAL DOMINANT, WITH SUSCEPTIBILITY TO MALIGNANT HYPERTHERMIA; Central core disease; Myopathy, central fibrillar. Identifiers: Orphanet 597, MedGen C5830701, MONDO:0007294, OMIM 117000.
Congenital myopathy with fiber type disproportion. Also called: Congenital fiber-type disproportion myopathy; Congenital fiber-type disproportion. Identifiers: Orphanet 2020, MedGen C0546264, MONDO:0009711. Inheritance: all.
Congenital multicore myopathy with external ophthalmoplegia (CMYO1B). Also called: MULTICORE MYOPATHY; Minicore myopathy with external ophthalmoplegia; Congenital myopathy 1B, autosomal recessive; Minicore myopathy; MULTIMINICORE DISEASE WITH EXTERNAL OPHTHALMOPLEGIA. Identifiers: Orphanet 598, Orphanet 98905, MedGen C1850674, MONDO:0009712, OMIM 255320, HP:0003789.

Allele frequency attached by ClinVar (database versions not stated): TOPMed 0.00001; gnomAD 0.00003.
gnomAD v4.1: 19 of 1,613,844 alleles (0.0012%); highest among the groups gnomAD compares: East Asian, 0.0045%; no homozygotes.

Submissions (4):

All of Us Research Program, National Institutes of Health
Classification: Uncertain significance for Malignant hyperthermia, susceptibility to, 1. Last evaluated: 2024-05-14. Review status: criteria provided, single submitter. Criteria: ACMG Guidelines, 2015. Collection method: clinical testing. Allele origin: germline. Inheritance: Autosomal dominant inheritance. Observed: 7 variant alleles, 7 heterozygotes.
Comment: This missense variant replaces arginine with histidine at codon 3287 of the RYR1 protein. Computational prediction suggests that this variant may not impact protein structure and function (internally defined REVEL score threshold <= 0.5, PMID: 27666373). To our knowledge, functional studies have not been reported for this variant. This variant has not been reported in individuals affected with RYR1-related disorders in the literature. This variant has been identified in 2/280008 chromosomes in the general population by the Genome Aggregation Database (gnomAD). The available evidence is insufficient to determine the role of this variant in disease conclusively. Therefore, this variant is classified as a Variant of Uncertain Significance.

This study involves interpretation of variants in research participants for the purpose of population health screening. Participant phenotype was not available at the time of variant classification. Additional details can be found in publication PMID: 35346344, PMCID: PMC8962531

Labcorp Genetics (formerly Invitae), Labcorp
Classification: Uncertain significance for RYR1-related disorder. Last evaluated: 2024-02-28. Review status: criteria provided, single submitter. Criteria: Invitae Variant Classification Sherloc (09022015). Collection method: clinical testing. Allele origin: germline.
Comment: This sequence change replaces arginine, which is basic and polar, with histidine, which is basic and polar, at codon 3287 of the RYR1 protein (p.Arg3287His). This variant is present in population databases (rs756487708, gnomAD 0.002%). This variant has not been reported in the literature in individuals affected with RYR1-related conditions. ClinVar contains an entry for this variant (Variation ID: 544394). Advanced modeling of protein sequence and biophysical properties (such as structural, functional, and spatial information, amino acid conservation, physicochemical variation, residue mobility, and thermodynamic stability) performed at Invitae indicates that this missense variant is not expected to disrupt RYR1 protein function with a negative predictive value of 95%. In summary, the available evidence is currently insufficient to determine the role of this variant in disease. Therefore, it has been classified as a Variant of Uncertain Significance.

Blueprint Genetics
Classification: Uncertain significance. Last evaluated: 2023-02-13. Review status: criteria provided, single submitter. Criteria: ACMG Guidelines, 2015. Collection method: clinical testing. Allele origin: germline.

Fulgent Genetics
Classification: Uncertain significance for Central core myopathy; Malignant hyperthermia, susceptibility to, 1; Congenital myopathy 4A, autosomal dominant; Congenital multicore myopathy with external ophthalmoplegia. Last evaluated: 2018-10-31. Review status: criteria provided, single submitter. Criteria: ACMG Guidelines, 2015. Collection method: clinical testing. Allele origin: unknown.

NM_000540.3(RYR1):c.9860G>A (p.Arg3287His)

Gene: RYR1 (ryanodine receptor 1; plus strand). Cytogenetic location: 19q13.2.
Variant type: single nucleotide variant.
Coding change: c.9860G>A on transcript NM_000540.3 (MANE Select); coding-DNA position 9860, G replaced by A.
Protein change: p.Arg3287His; replaces arginine 3287 with histidine.
Molecular consequence: missense variant.
Genome position (GRCh38, 1-based): chr19:38,517,533, G>A. VCF-style: chr19-38517533-G-A. GRCh37 (hg19) VCF-style: chr19-39008173-G-A.
Other names: c.9860G>A, p.Arg3287His (NM_001042723.2); short protein forms R3287H.
Identifiers: ClinVar variation 544394 (VCV000544394.10), dbSNP rs756487708, ClinGen allele CA074241.